The following is an entry in ClinVar:

NM_000091.5(COL4A3):c.546+2T>G

Genes: MFF-DT (MFF divergent transcript; minus strand), COL4A3 (collagen type IV alpha 3 chain; plus strand). Cytogenetic location: 2q36.3.
Variant type: single nucleotide variant.
Coding change: c.546+2T>G on transcript NM_000091.5 (MANE Select); the canonical splice donor site of the intron after coding-DNA position 546, T replaced by G.
Molecular consequence: splice donor variant.
Genome position (GRCh38, 1-based): chr2:227,248,522, T>G. VCF-style: chr2-227248522-T-G. GRCh37 (hg19) VCF-style: chr2-228113238-T-G.
Identifiers: ClinVar variation 4796800 (VCV004796800.1).

ClinVar aggregate classification (germline): Pathogenic (1 of 4 stars; one submission).

Conditions:
Autosomal dominant Alport syndrome (ATS3A). Also called: ALPORT SYNDROME 3A, AUTOSOMAL DOMINANT; Alport syndrome dominant type; Renal failure and sensorineural hearing loss. Identifiers: Orphanet 63, Orphanet 88918, MedGen C5882663, MONDO:0007086, OMIM 104200.

Submission:

MVZ Medizinische Genetik Mainz
Classification: Pathogenic for Autosomal dominant Alport syndrome. Last evaluated: 2026-02-02. Review status: criteria provided, single submitter. Criteria: UK Practice Guidelines For Variant Classification V4 01 2020. Collection method: clinical testing. Allele origin: germline. Inheritance: Autosomal dominant inheritance. Affected: yes. Observed: 1 variant allele.
Comment: ACMG Criteria: PVS1,PS1_SUP,PM2_SUP